The following is an entry in ClinVar:

NM_000037.4(ANK1):c.25G>T (p.Glu9Ter)

Gene: ANK1 (ankyrin 1; minus strand). Cytogenetic location: 8p11.21.
Variant type: single nucleotide variant.
Coding change: c.25G>T on transcript NM_000037.4 (MANE Select); coding-DNA position 25, G replaced by T.
Protein change: p.Glu9Ter; replaces glutamic acid 9 with a stop codon.
Molecular consequence: nonsense. On other transcripts: intron variant (1).
Genome position (GRCh38, 1-based): chr8:41,797,514, C>A on the plus strand (G>T on the coding strand, the complement: ANK1 is on the minus strand). VCF-style: chr8-41797514-C-A. GRCh37 (hg19) VCF-style: chr8-41655032-C-A.
Other names: c.25G>T, p.Glu9Ter (NM_020475.3, NM_020476.3, NM_020477.3); c.127-39377G>T (NM_001142446.2); short protein forms E9*.
Identifiers: ClinVar variation 4685937 (VCV004685937.1).

ClinVar aggregate classification (germline): Pathogenic (1 of 4 stars; one submission).

Conditions:
Hereditary spherocytosis type 1. Also called: Spherocytosis type 1; ANK1-Related Spherocytosis. Identifiers: Orphanet 822, MedGen C2674218, MONDO:0008447, OMIM 182900.

Submission:

ARUP Laboratories, Molecular Genetics and Genomics, ARUP Laboratories
Classification: Pathogenic for Hereditary spherocytosis type 1. Last evaluated: 2025-01-03. Review status: criteria provided, single submitter. Criteria: ARUP Molecular Germline Variant Investigation Process 2024. Collection method: clinical testing. Allele origin: germline.
Comment: The ANK1 c.25G>T; p.Glu9Ter variant is reported in the literature as a de novo variant in one individual with spherocytosis (Gundel 2011). This variant is absent from the Genome Aggregation Database (v2.1.1), indicating it is not a common polymorphism. This variant induces an early termination codon and is predicted to result in a truncated protein or mRNA subject to nonsense-mediated decay. Based on available information, this variant is considered to be pathogenic. References: Gundel F et al. A new ankyrin mutation (ANK1 EXON E9X) causing severe hereditary spherocytosis in the neonatal period. Ann Hematol. 2011 Feb. PMID: 20512576.